The following is an entry in ClinVar:

ClinVar aggregate classification (germline): Uncertain significance (1 of 4 stars; one submission).

Conditions:
Bethlem myopathy 1A. Also called: Bethlem myopathy 1; Bethlem Muscular Dystrophy; MYOPATHY, BENIGN CONGENITAL, WITH CONTRACTURES. Identifiers: Orphanet 610, MedGen CN029274, MONDO:0024530, OMIM 158810.

Allele frequency attached by ClinVar (database versions not stated): TOPMed 0.00002; gnomAD exomes below 0.00001; gnomAD 0.00001; ExAC 0.00002.
gnomAD v4.1: 6 of 1,614,056 alleles (0.00037%); highest among the groups gnomAD compares: Middle Eastern, 0.016%; no homozygotes.

Submission:

Labcorp Genetics (formerly Invitae), Labcorp
Classification: Uncertain significance for Bethlem myopathy 1A. Last evaluated: 2025-07-27. Review status: criteria provided, single submitter. Criteria: Invitae Variant Classification Sherloc (09022015). Collection method: clinical testing. Allele origin: germline.
Comment: This sequence change replaces isoleucine, which is neutral and non-polar, with valine, which is neutral and non-polar, at codon 2719 of the COL6A3 protein (p.Ile2719Val). The frequency data for this variant in the population databases is considered unreliable, as metrics indicate poor data quality at this position in the gnomAD database. This variant has not been reported in the literature in individuals affected with COL6A3-related conditions. ClinVar contains an entry for this variant (Variation ID: 1477232). Invitae Evidence Modeling of protein sequence and biophysical properties (such as structural, functional, and spatial information, amino acid conservation, physicochemical variation, residue mobility, and thermodynamic stability) indicates that this missense variant is not expected to disrupt COL6A3 protein function with a negative predictive value of 80%. In summary, the available evidence is currently insufficient to determine the role of this variant in disease. Therefore, it has been classified as a Variant of Uncertain Significance.

NM_004369.4(COL6A3):c.8155A>G (p.Ile2719Val)

Gene: COL6A3 (collagen type VI alpha 3 chain; minus strand). Cytogenetic location: 2q37.3.
Variant type: single nucleotide variant.
Coding change: c.8155A>G on transcript NM_004369.4 (MANE Select); coding-DNA position 8155, A replaced by G.
Protein change: p.Ile2719Val; replaces isoleucine 2719 with valine.
Molecular consequence: missense variant.
Genome position (GRCh38, 1-based): chr2:237,340,761, T>C on the plus strand (A>G on the coding strand, the complement: COL6A3 is on the minus strand). VCF-style: chr2-237340761-T-C. GRCh37 (hg19) VCF-style: chr2-238249404-T-C.
Other names: c.6334A>G, p.Ile2112Val (NM_057166.5); c.7537A>G, p.Ile2513Val (NM_057167.4); short protein forms I2513V, I2719V, I2112V.
Identifiers: ClinVar variation 1477232 (VCV001477232.6), dbSNP rs762902561, ClinGen allele CA2187616.